The following is an entry in ClinVar:

NM_024426.6(WT1):c.1211A>C (p.Asn404Thr)

Gene: WT1 (WT1 transcription factor; minus strand). Cytogenetic location: 11p13.
Variant type: single nucleotide variant.
Coding change: c.1211A>C on transcript NM_024426.6 (MANE Select); coding-DNA position 1211, A replaced by C.
Protein change: p.Asn404Thr; replaces asparagine 404 with threonine.
Molecular consequence: missense variant. On other transcripts: non-coding transcript variant (1).
Genome position (GRCh38, 1-based): chr11:32,396,310, T>G on the plus strand (A>C on the coding strand, the complement: WT1 is on the minus strand). VCF-style: chr11-32396310-T-G. GRCh37 (hg19) VCF-style: chr11-32417856-T-G.
Other names: c.1160A>C, p.Asn387Thr (NM_000378.6, NM_001407045.1, NM_001407048.1 and 1 more transcripts); c.560A>C, p.Asn187Thr (NM_001198551.2); c.509A>C, p.Asn170Thr (NM_001198552.2); c.23A>C, p.Asn8Thr (NM_001367854.1); c.1205A>C, p.Asn402Thr (NM_001407044.1); c.1211A>C, p.Asn404Thr (NM_001407046.1, NM_024424.5); c.1088A>C, p.Asn363Thr (NM_001407047.1); c.1037A>C, p.Asn346Thr (NM_001407050.1); and 2 more; short protein forms N187T, N404T, N170T, N8T, N387T, N346T, N363T, N150T.
Identifiers: ClinVar variation 406697 (VCV000406697.10), dbSNP rs748864758, ClinGen allele CA064353.

ClinVar aggregate classification (germline): Uncertain significance. Review status: criteria provided, multiple submitters, no conflicts (2 of 4 stars). 5 submissions from 5 submitters: Uncertain significance (5). Last evaluated 2025-07-20.

Conditions:
Drash syndrome (DDS). Also called: NEPHROPATHY, WILMS TUMOR, AND GENITAL ANOMALIES; WILMS TUMOR AND PSEUDO- OR TRUE HERMAPHRODITISM. Identifiers: Orphanet 220, MedGen C0950121, MONDO:0008682, OMIM 194080.
Wilms tumor 1 (WT1). Also called: Wilms tumor, somatic. Identifiers: Orphanet 654, MedGen CN033288, MONDO:0008679, OMIM 194070.
11p partial monosomy syndrome (WAGR). Also called: CHROMOSOME 11p13 DELETION SYNDROME; WAGR syndrome; WAGR Complex; WAGR Spectrum Disorder. Identifiers: Orphanet 893, MedGen C0206115, MONDO:0008681, OMIM 194072.
Frasier syndrome. Identifiers: Orphanet 347, MedGen C0950122, MeSH D052159, MONDO:0007635, OMIM 136680.
Inborn genetic diseases. Identifiers: MedGen C0950123, MeSH D030342.

Allele frequency attached by ClinVar (database versions not stated): gnomAD 0.00001; TOPMed 0.00001.
gnomAD v4.1: 3 of 1,614,050 alleles (0.00019%); highest among the groups gnomAD compares: African/African-American, 0.0013%; no homozygotes.

Submissions (5):

Color Diagnostics, LLC DBA Color Health
Classification: Uncertain significance for Wilms tumor 1. Last evaluated: 2025-07-20. Review status: criteria provided, single submitter. Criteria: ACMG Guidelines, 2015. Collection method: clinical testing. Allele origin: germline.
Comment: This missense variant replaces asparagine with threonine at codon 399 of the WT1 protein. Computational prediction suggests that this variant may not impact protein structure and function. To our knowledge, functional studies have not been reported for this variant. This variant has not been reported in individuals affected with WT1-related disorders in the literature. This variant has been identified in 1/251460 chromosomes in the general population by the Genome Aggregation Database (gnomAD). The available evidence is insufficient to determine the role of this variant in disease conclusively. Therefore, this variant is classified as a Variant of Uncertain Significance.

Ambry Genetics
Classification: Uncertain significance for Inborn genetic diseases. Last evaluated: 2025-06-01. Review status: criteria provided, single submitter. Criteria: Ambry Variant Classification Scheme 2023. Collection method: clinical testing. Allele origin: germline.
Comment: The p.N399T variant (also known as c.1196A>C), located in coding exon 7 of the WT1 gene, results from an A to C substitution at nucleotide position 1196. The asparagine at codon 399 is replaced by threonine, an amino acid with similar properties. This amino acid position is conserved. In addition, this alteration is predicted to be tolerated by in silico analysis. Based on the available evidence, the clinical significance of this variant remains unclear.

GeneDx
Classification: Uncertain significance. Last evaluated: 2024-03-01. Review status: criteria provided, single submitter. Criteria: GeneDx Variant Classification Process June 2021. Collection method: clinical testing. Allele origin: germline.
Comment: Not observed at significant frequency in large population cohorts (gnomAD); In silico analysis supports that this missense variant has a deleterious effect on protein structure/function; Has not been previously published as pathogenic or benign to our knowledge; This variant is associated with the following publications: (PMID: 17361230)

Baylor Genetics
Classification: Uncertain significance for Drash syndrome. Last evaluated: 2023-10-30. Review status: criteria provided, single submitter. Criteria: ACMG Guidelines, 2015. Collection method: clinical testing. Allele origin: unknown.

Labcorp Genetics (formerly Invitae), Labcorp
Classification: Uncertain significance for Wilms tumor 1; Drash syndrome; 11p partial monosomy syndrome; Frasier syndrome. Last evaluated: 2023-10-06. Review status: criteria provided, single submitter. Criteria: Invitae Variant Classification Sherloc (09022015). Collection method: clinical testing. Allele origin: germline.
Comment: This sequence change replaces asparagine, which is neutral and polar, with threonine, which is neutral and polar, at codon 399 of the WT1 protein (p.Asn399Thr). This variant is present in population databases (rs748864758, gnomAD 0.0009%). This variant has not been reported in the literature in individuals affected with WT1-related conditions. ClinVar contains an entry for this variant (Variation ID: 406697). An algorithm developed to predict the effect of missense changes on protein structure and function (PolyPhen-2) suggests that this variant is likely to be disruptive. In summary, the available evidence is currently insufficient to determine the role of this variant in disease. Therefore, it has been classified as a Variant of Uncertain Significance.